The following is an entry in ClinVar:

ClinVar aggregate classification (germline): Uncertain significance (1 of 4 stars; one submission).

Conditions:
Werner syndrome (WRN). Identifiers: Orphanet 902, MedGen C0043119, MONDO:0010196, OMIM 277700.

Submission:

Labcorp Genetics (formerly Invitae), Labcorp
Classification: Uncertain significance for Werner syndrome. Last evaluated: 2021-06-25. Review status: criteria provided, single submitter. Criteria: Invitae Variant Classification Sherloc (09022015). Collection method: clinical testing. Allele origin: germline.
Comment: This sequence change replaces isoleucine with threonine at codon 972 of the WRN protein (p.Ile972Thr). The isoleucine residue is moderately conserved and there is a moderate physicochemical difference between isoleucine and threonine. In summary, the available evidence is currently insufficient to determine the role of this variant in disease. Therefore, it has been classified as a Variant of Uncertain Significance. Algorithms developed to predict the effect of missense changes on protein structure and function output the following: SIFT: "Not Available"; PolyPhen-2: "Benign"; Align-GVGD: "Not Available". The threonine amino acid residue is found in multiple mammalian species, suggesting that this missense change does not adversely affect protein function. These predictions have not been confirmed by published functional studies and their clinical significance is uncertain. This variant has not been reported in the literature in individuals with WRN-related conditions. This variant is not present in population databases (ExAC no frequency).

NM_000553.6(WRN):c.2915T>C (p.Ile972Thr)

Gene: WRN (WRN RecQ like helicase; plus strand). Cytogenetic location: 8p12.
Variant type: single nucleotide variant.
Coding change: c.2915T>C on transcript NM_000553.6 (MANE Select); coding-DNA position 2915, T replaced by C.
Protein change: p.Ile972Thr; replaces isoleucine 972 with threonine.
Molecular consequence: missense variant.
Genome position (GRCh38, 1-based): chr8:31,132,454, T>C. VCF-style: chr8-31132454-T-C. GRCh37 (hg19) VCF-style: chr8-30989970-T-C.
Other names: short protein forms I972T.
Identifiers: ClinVar variation 1363712 (VCV001363712.7), dbSNP rs2130377284, ClinGen allele CA370919113.